The following is an entry in ClinVar:

NM_001292034.3(TAB2):c.1039C>T (p.Arg347Ter)

Genes: TAB2 (TGF-beta activated kinase 1 (MAP3K7) binding protein 2; plus strand), LOC126859827 (BRD4-independent group 4 enhancer GRCh37_chr6:149699707-149700906; plus strand). Cytogenetic location: 6q25.1.
Variant type: single nucleotide variant.
Coding change: c.1039C>T on transcript NM_001292034.3 (MANE Select); coding-DNA position 1039, C replaced by T.
Protein change: p.Arg347Ter; replaces arginine 347 with a stop codon.
Molecular consequence: nonsense.
Genome position (GRCh38, 1-based): chr6:149,378,954, C>T. VCF-style: chr6-149378954-C-T. GRCh37 (hg19) VCF-style: chr6-149700090-C-T.
Other names: c.943C>T, p.Arg315Ter (NM_001292035.3); c.1039C>T, p.Arg347Ter (NM_001369506.1, NM_015093.6); short protein forms R347*, R315*.
Identifiers: ClinVar variation 373443 (VCV000373443.12), dbSNP rs1057518422, ClinGen allele CA16042659.
Genomic context (GRCh38, chr6:149,378,954, plus strand): 5'-GAAATCAAACTTGAACCCCCACAAAGAAATAATTCTTCAAAACTGCGTTCTTCTGGACCT[C>T]GAACCTCCAGCACTTCCTCTTCAGTCAATAGCCAGACCTTAAACAGAAATCAGCCCACTG-3'

ClinVar aggregate classification (germline): Pathogenic/Likely pathogenic. Review status: criteria provided, multiple submitters, no conflicts (2 of 4 stars). 5 submissions from 5 submitters: Pathogenic (4); Likely pathogenic (1). Last evaluated 2025-03-09.

Conditions:
Atrial septal defect, ostium secundum type. Also called: Secundum atrial septal defect; ASD II. Identifiers: Orphanet 99103, MedGen C0344724, MONDO:0020434, HP:0001684.
Rectal prolapse. Identifiers: MedGen C0034888, MONDO:0004754, HP:0002035.
Bicuspid aortic valve. Identifiers: MedGen C0149630, HP:0001647.
Migraine. Also called: Migraine disorder. Identifiers: MedGen C0149931, MONDO:0005277, HP:0002076.
Stress urinary incontinence. Identifiers: MedGen C0042025, HP:0010992.
TAB2-related disorder.
Congenital heart defects, multiple types, 2 (CHTD2). Also called: Congenital heart defects, nonsyndromic, 2. Identifiers: Orphanet 664401, MedGen C3554279, MONDO:0014000, OMIM 614980.

Submissions (5):

Labcorp Genetics (formerly Invitae), Labcorp
Classification: Pathogenic. Last evaluated: 2025-03-09. Review status: criteria provided, single submitter. Criteria: Invitae Variant Classification Sherloc (09022015). Collection method: clinical testing. Allele origin: germline.
Comment: This sequence change creates a premature translational stop signal (p.Arg347*) in the TAB2 gene. It is expected to result in an absent or disrupted protein product. Loss-of-function variants in TAB2 are known to be pathogenic (PMID: 28386937, 31250519). This variant is not present in population databases (gnomAD no frequency). This premature translational stop signal has been observed in individual(s) with TAB2-related conditions (PMID: 29700987). ClinVar contains an entry for this variant (Variation ID: 373443). For these reasons, this variant has been classified as Pathogenic.

Genetics Laboratory, UDIAT-Centre Diagnòstic, Hospital Universitari Parc Tauli
Classification: Pathogenic for congenital heart defects, multiple types, 2. Last evaluated: 2023-03-08. Review status: criteria provided, single submitter. Criteria: ACMG Guidelines, 2015. Collection method: clinical testing. Allele origin: unknown. Inheritance: Autosomal dominant inheritance. Affected: yes.
Comment: PVS1_very strong;PS4_moderate;PM2_supporting

GeneDx
Classification: Pathogenic. Last evaluated: 2021-06-10. Review status: criteria provided, single submitter. Criteria: GeneDx Variant Classification Process June 2021. Collection method: clinical testing. Allele origin: germline. Affected: yes.
Comment: Nonsense variant predicted to result in protein truncation or nonsense mediated decay in a gene for which loss-of-function is a known mechanism of disease; Not observed at significant frequency in large population cohorts (Lek et al., 2016); This variant is associated with the following publications: (PMID: 29700987, 27535533)

Blueprint Genetics
Classification: Pathogenic for TAB2-related disorders. Last evaluated: 2019-11-14. Review status: criteria provided, single submitter. Criteria: ACMG Guidelines, 2015. Collection method: clinical testing. Allele origin: germline. Affected: yes. Observed: 1 variant allele.

Centre for Mendelian Genomics, University Medical Centre Ljubljana
Classification: Likely pathogenic for Bicuspid aortic valve; Migraine; Rectal prolapse; Atrial septal defect, ostium secundum type; Stress urinary incontinence. Last evaluated: 2017-01-01. Review status: criteria provided, single submitter. Criteria: ACMG Guidelines, 2015. Collection method: clinical testing. Allele origin: unknown. Affected: yes.

Literature cited by the submitters: PubMed 28386937 (cited by Labcorp Genetics (formerly Invitae), Labcorp); PubMed 31250519 (cited by Labcorp Genetics (formerly Invitae), Labcorp); PubMed 29700987 (cited by Labcorp Genetics (formerly Invitae), Labcorp).